The following is an entry in ClinVar:

NM_001267550.2(TTN):c.41024C>T (p.Thr13675Ile)

Gene: TTN (titin; minus strand). Cytogenetic location: 2q31.2.
Variant type: single nucleotide variant.
Coding change: c.41024C>T on transcript NM_001267550.2 (MANE Select); coding-DNA position 41024, C replaced by T.
Protein change: p.Thr13675Ile; replaces threonine 13675 with isoleucine.
Molecular consequence: missense variant.
Genome position (GRCh38, 1-based): chr2:178,636,703, G>A on the plus strand (C>T on the coding strand, the complement: TTN is on the minus strand). VCF-style: chr2-178636703-G-A. GRCh37 (hg19) VCF-style: chr2-179501430-G-A.
Other names: c.36101C>T, p.Thr12034Ile (NM_001256850.1); c.13829C>T, p.Thr4610Ile (NM_003319.4); c.33320C>T, p.Thr11107Ile (NM_133378.4); c.14204C>T, p.Thr4735Ile (NM_133432.3); c.14405C>T, p.Thr4802Ile (NM_133437.4); short protein forms T11107I, T12034I, T13675I, T4610I, T4735I, T4802I.
Identifiers: ClinVar variation 3766416 (VCV003766416.2).

ClinVar aggregate classification (germline): Uncertain significance. Review status: criteria provided, multiple submitters, no conflicts (2 of 4 stars). 2 submissions from 2 submitters: Uncertain significance (2). Last evaluated 2024-08-27.

Submissions (2):

GeneDx
Classification: Uncertain significance. Last evaluated: 2024-08-27. Review status: criteria provided, single submitter. Criteria: GeneDx Variant Classification Process June 2021. Collection method: clinical testing. Allele origin: germline. Affected: yes.
Comment: Not observed at significant frequency in large population cohorts (gnomAD); Missense variant in a gene in which most reported pathogenic variants are truncating/loss of function; Has not been previously published as pathogenic or benign to our knowledge

Blueprint Genetics
Classification: Uncertain significance. Last evaluated: 2024-07-15. Review status: criteria provided, single submitter. Criteria: ACMG Guidelines, 2015. Collection method: clinical testing. Allele origin: germline.